The following is an entry in ClinVar:

NM_001042492.3(NF1):c.2303A>T (p.His768Leu)

Gene: NF1 (neurofibromin 1; plus strand). Cytogenetic location: 17q11.2.
Variant type: single nucleotide variant.
Coding change: c.2303A>T on transcript NM_001042492.3 (MANE Select); coding-DNA position 2303, A replaced by T.
Protein change: p.His768Leu; replaces histidine 768 with leucine.
Molecular consequence: missense variant.
Genome position (GRCh38, 1-based): chr17:31,227,269, A>T. VCF-style: chr17-31227269-A-T. GRCh37 (hg19) VCF-style: chr17-29554287-A-T.
Other names: c.2303A>T, p.His768Leu (NM_000267.4); short protein forms H768L.
Identifiers: ClinVar variation 941913 (VCV000941913.7), dbSNP rs2067031890, ClinGen allele CA398982861.

ClinVar aggregate classification (germline): Uncertain significance. Review status: criteria provided, multiple submitters, no conflicts (2 of 4 stars). 2 submissions from 2 submitters: Uncertain significance (2). Last evaluated 2026-08-27.

Conditions:
Hereditary cancer-predisposing syndrome. Also called: Neoplastic Syndromes, Hereditary; Hereditary Cancer Syndrome; Tumor predisposition; Hereditary neoplastic syndrome. Identifiers: Orphanet 140162, MedGen C0027672, MeSH D009386, MONDO:0015356.
Cardiovascular phenotype. Identifiers: MedGen CN230736.
Neurofibromatosis, type 1 (NF1). Also called: Peripheral type neurofibromatosis; VON RECKLINGHAUSEN DISEASE; Neurofibromatosis, type I; NEUROFIBROMATOSIS, TYPE I, SOMATIC. Identifiers: Orphanet 636, MedGen C0027831, MONDO:0018975, OMIM 162200. Disease mechanism: loss of function.

Submissions (2):

Ambry Genetics
Classification: Uncertain significance for Cardiovascular phenotype; Hereditary cancer-predisposing syndrome. Last evaluated: 2026-08-27. Review status: criteria provided, single submitter. Criteria: Ambry Variant Classification Scheme 2023. Collection method: clinical testing. Allele origin: germline.
Comment: The p.H768L variant (also known as c.2303A>T), located in coding exon 19 of the NF1 gene, results from an A to T substitution at nucleotide position 2303. The histidine at codon 768 is replaced by leucine, an amino acid with similar properties. This amino acid position is conserved. In addition, this alteration is predicted to be deleterious by in silico analysis. Based on the available evidence, the clinical significance of this variant remains unclear.

Labcorp Genetics (formerly Invitae), Labcorp
Classification: Uncertain significance for Neurofibromatosis, type 1. Last evaluated: 2019-07-19. Review status: criteria provided, single submitter. Criteria: Invitae Variant Classification Sherloc (09022015). Collection method: clinical testing. Allele origin: germline.
Comment: In summary, the available evidence is currently insufficient to determine the role of this variant in disease. Therefore, it has been classified as a Variant of Uncertain Significance. Algorithms developed to predict the effect of missense changes on protein structure and function (SIFT, PolyPhen-2, Align-GVGD) all suggest that this variant is likely to be tolerated, but these predictions have not been confirmed by published functional studies and their clinical significance is uncertain. This variant has not been reported in the literature in individuals with NF1-related conditions. This variant is not present in population databases (ExAC no frequency). This sequence change replaces histidine with leucine at codon 768 of the NF1 protein (p.His768Leu). The histidine residue is moderately conserved and there is a moderate physicochemical difference between histidine and leucine.